The following is an entry in ClinVar:

ClinVar aggregate classification (germline): Conflicting classifications of pathogenicity. Review status: criteria provided, conflicting classifications (1 of 4 stars). 3 submissions from 3 submitters: Uncertain significance (2); Likely benign (1). Last evaluated 2025-02-11.

Conditions:
Pitt-Hopkins-like syndrome 2 (PTHSL2). Identifiers: Orphanet 221150, Orphanet 600663, MedGen C3280479, MONDO:0013690, OMIM 614325.

Allele frequency attached by ClinVar (database versions not stated): gnomAD exomes 0.00001 and 0.00002; ExAC 0.00002; gnomAD 0.00002; TOPMed 0.00002.
gnomAD v4.1: 26 of 1,612,654 alleles (0.0016%); highest among the groups gnomAD compares: Admixed American, 0.005%; no homozygotes.

Submissions (3):

Labcorp Genetics (formerly Invitae), Labcorp
Classification: Uncertain significance for Pitt-Hopkins-like syndrome 2. Last evaluated: 2025-02-11. Review status: criteria provided, single submitter. Criteria: Invitae Variant Classification Sherloc (09022015). Collection method: clinical testing. Allele origin: germline.
Comment: This sequence change replaces methionine, which is neutral and non-polar, with valine, which is neutral and non-polar, at codon 871 of the NRXN1 protein (p.Met871Val). This variant is present in population databases (rs200018177, gnomAD 0.006%). This variant has not been reported in the literature in individuals affected with NRXN1-related conditions. ClinVar contains an entry for this variant (Variation ID: 539877). An algorithm developed to predict the effect of missense changes on protein structure and function (PolyPhen-2) suggests that this variant is likely to be tolerated. In summary, the available evidence is currently insufficient to determine the role of this variant in disease. Therefore, it has been classified as a Variant of Uncertain Significance.

Blueprint Genetics
Classification: Uncertain significance. Last evaluated: 2021-06-23. Review status: criteria provided, single submitter. Criteria: ACMG Guidelines, 2015. Collection method: clinical testing. Allele origin: germline.

GeneDx
Classification: Likely benign. Last evaluated: 2021-01-25. Review status: criteria provided, single submitter. Criteria: GeneDx Variant Classification Process June 2021. Collection method: clinical testing. Allele origin: germline. Affected: yes.

NM_001330078.2(NRXN1):c.2491A>G (p.Met831Val)

Gene: NRXN1 (neurexin 1; minus strand). Cytogenetic location: 2p16.3.
Variant type: single nucleotide variant.
Coding change: c.2491A>G on transcript NM_001330078.2 (MANE Select); coding-DNA position 2491, A replaced by G.
Protein change: p.Met831Val; replaces methionine 831 with valine.
Molecular consequence: missense variant.
Genome position (GRCh38, 1-based): chr2:50,506,501, T>C on the plus strand (A>G on the coding strand, the complement: NRXN1 is on the minus strand). VCF-style: chr2-50506501-T-C. GRCh37 (hg19) VCF-style: chr2-50733639-T-C.
Other names: c.2611A>G, p.Met871Val (NM_001135659.3); c.2467A>G, p.Met823Val (NM_001330077.2, NM_001330082.2); c.2425A>G, p.Met809Val (NM_001330083.2, NM_001330084.2); c.2464A>G, p.Met822Val (NM_001330085.2); c.2491A>G, p.Met831Val (NM_001330086.2, NM_004801.6); c.2380A>G, p.Met794Val (NM_001330087.2, NM_001330096.2); c.2410A>G, p.Met804Val (NM_001330088.2); c.2488A>G, p.Met830Val (NM_001330093.2); and 2 more; short protein forms M871V, M822V, M823V, M827V, M830V, M804V, M809V, M814V.
Identifiers: ClinVar variation 539877 (VCV000539877.14), dbSNP rs200018177, ClinGen allele CA1654806.